The following is an entry in ClinVar:

ClinVar aggregate classification (germline): Uncertain significance. Review status: criteria provided, multiple submitters, no conflicts (2 of 4 stars). 2 submissions from 2 submitters: Uncertain significance (2). Last evaluated 2022-09-07.

gnomAD v4.1: 2 of 1,605,416 alleles (0.00012%); highest among the groups gnomAD compares: Non-Finnish European, 0.000085%; no homozygotes.

Submissions (2):

Labcorp Genetics (formerly Invitae), Labcorp
Classification: Uncertain significance. Last evaluated: 2022-09-07. Review status: criteria provided, single submitter. Criteria: Invitae Variant Classification Sherloc (09022015). Collection method: clinical testing. Allele origin: germline.
Comment: ClinVar contains an entry for this variant (Variation ID: 1320698). This variant has not been reported in the literature in individuals affected with ASXL1-related conditions. This variant is not present in population databases (gnomAD no frequency). This sequence change replaces glycine, which is neutral and non-polar, with cysteine, which is neutral and slightly polar, at codon 645 of the ASXL1 protein (p.Gly645Cys). In summary, the available evidence is currently insufficient to determine the role of this variant in disease. Therefore, it has been classified as a Variant of Uncertain Significance. Algorithms developed to predict the effect of sequence changes on RNA splicing suggest that this variant may create or strengthen a splice site. Algorithms developed to predict the effect of missense changes on protein structure and function are either unavailable or do not agree on the potential impact of this missense change (SIFT: "Deleterious"; PolyPhen-2: "Probably Damaging"; Align-GVGD: "Class C15").

GeneDx
Classification: Uncertain significance. Last evaluated: 2021-05-04. Review status: criteria provided, single submitter. Criteria: GeneDx Variant Classification Process June 2021. Collection method: clinical testing. Allele origin: germline. Affected: yes.
Comment: Has not been previously published as pathogenic or benign to our knowledge; Not observed in large population cohorts (Lek et al., 2016); In silico analysis supports that this missense variant has a deleterious effect on protein structure/function

NM_015338.6(ASXL1):c.1933G>T (p.Gly645Cys)

Gene: ASXL1 (ASXL transcriptional regulator 1; plus strand). Cytogenetic location: 20q11.21.
Variant type: single nucleotide variant.
Coding change: c.1933G>T on transcript NM_015338.6 (MANE Select); coding-DNA position 1933, G replaced by T.
Protein change: p.Gly645Cys; replaces glycine 645 with cysteine.
Molecular consequence: missense variant.
Genome position (GRCh38, 1-based): chr20:32,434,645, G>T. VCF-style: chr20-32434645-G-T. GRCh37 (hg19) VCF-style: chr20-31022448-G-T.
Other names: c.1750G>T, p.Gly584Cys (NM_001363734.1); short protein forms G584C, G645C.
Identifiers: ClinVar variation 1320698 (VCV001320698.9), dbSNP rs2011676360, ClinGen allele CA408558212.